The following is an entry in ClinVar:

ClinVar aggregate classification (germline): Uncertain significance. Review status: criteria provided, multiple submitters, no conflicts (2 of 4 stars). 17 submissions from 10 submitters: Uncertain significance (14). 3 of the submissions do not count toward it. Last evaluated 2026-07-20.

Conditions:
Bardet-Biedl syndrome 14 (BBS14). Identifiers: Orphanet 110, MedGen C2673874, MONDO:0014442, OMIM 615991.
Leber congenital amaurosis 10 (LCA10). Identifiers: Orphanet 65, MedGen C1857821, MONDO:0012723, OMIM 611755.
Joubert syndrome 5 (JBTS5). Identifiers: Orphanet 2318, MedGen C1857780, MONDO:0012432, OMIM 610188.
Inborn genetic diseases. Identifiers: MedGen C0950123, MeSH D030342.
Nephronophthisis. Also called: Juvenile Nephronophthisis. Identifiers: Orphanet 655, MedGen C0687120, MONDO:0019005, HP:0000090.
Meckel-Gruber syndrome. Also called: DYSENCEPHALIA SPLANCHNOCYSTICA; GRUBER SYNDROME; Dysencephalia splachnocystica. Identifiers: Orphanet 564, MedGen C0265215, MONDO:0018921.
Joubert syndrome. Also called: Familial aplasia of the vermis; JOUBERT-BOLTSHAUSER SYNDROME. Identifiers: Orphanet 475, MedGen C5979921, MONDO:0018772.
CEP290-related disorder. Also called: CEP290-related condition; CEP290-related disorders. Identifiers: MedGen CN239314.
Leber congenital amaurosis (LCA). Also called: Leber's amaurosis. Identifiers: Orphanet 65, MedGen C0339527, MeSH D057130, MONDO:0018998.
Meckel syndrome, type 4 (MKS4). Also called: MECKEL-GRUBER SYNDROME, TYPE 4. Identifiers: Orphanet 564, MedGen C1970161, MONDO:0012626, OMIM 611134.
Senior-Loken syndrome 6 (SLSN6). Identifiers: Orphanet 3156, MedGen C1857779, MONDO:0012433, OMIM 610189.

Allele frequency attached by ClinVar (database versions not stated): TOPMed 0.00015; gnomAD 0.00016; ESP Exome Variant Server 0.00017.
gnomAD v4.1: 250 of 1,613,808 alleles (0.015%); highest among the groups gnomAD compares: Middle Eastern, 0.099%; no homozygotes.

Submissions (17):

PreventionGenetics, part of Exact Sciences
Classification: Uncertain significance for CEP290-related condition. Last evaluated: 2026-07-20. Review status: criteria provided, single submitter. Criteria: ACMG Guidelines, 2015. Collection method: clinical testing. Allele origin: germline.
Comment: The CEP290 c.4555A>T variant is predicted to result in the amino acid substitution p.Ile1519Leu. This variant has been reported in two siblings with Joubert syndrome; however, they both harbored two causative variants in the CC2D2A gene which provided the diagnosis (Table S5, Phelps et al. 2018. PubMed ID: 28771248). This variant has also been reported in a cohort of individuals with polycystic kidney diseases (Supplementary Table 5, Nigro et al. 2023. PubMed ID: 37372416); however, additional information was not provided. This variant is reported in 0.028% of alleles in individuals of Latino descent in gnomAD. At this time, the clinical significance of this variant is uncertain due to the absence of conclusive functional and genetic evidence.

Ambry Genetics
Classification: Uncertain significance for Inborn genetic diseases. Last evaluated: 2025-12-15. Review status: criteria provided, single submitter. Criteria: Ambry Variant Classification Scheme 2023. Collection method: clinical testing. Allele origin: germline.

GeneDx
Classification: Uncertain significance. Last evaluated: 2025-05-22. Review status: criteria provided, single submitter. Criteria: GeneDx Variant Classification Process June 2021. Collection method: clinical testing. Allele origin: germline. Affected: yes.
Comment: In silico analysis suggests that this missense variant does not alter protein structure/function; This variant is associated with the following publications: (PMID: 37372416, 37810530, 28771248)

Blueprint Genetics
Classification: Uncertain significance. Last evaluated: 2024-11-22. Review status: criteria provided, single submitter. Criteria: ACMG Guidelines, 2015. Collection method: clinical testing. Allele origin: germline.

Labcorp Genetics (formerly Invitae), Labcorp
Classification: Uncertain significance for Joubert syndrome; Meckel-Gruber syndrome; Nephronophthisis. Last evaluated: 2024-10-15. Review status: criteria provided, single submitter. Criteria: Invitae Variant Classification Sherloc (09022015). Collection method: clinical testing. Allele origin: germline.
Comment: This sequence change replaces isoleucine, which is neutral and non-polar, with leucine, which is neutral and non-polar, at codon 1519 of the CEP290 protein (p.Ile1519Leu). This variant is present in population databases (rs200817579, gnomAD 0.03%). This variant has not been reported in the literature in individuals affected with CEP290-related conditions. ClinVar contains an entry for this variant (Variation ID: 241584). Invitae Evidence Modeling of protein sequence and biophysical properties (such as structural, functional, and spatial information, amino acid conservation, physicochemical variation, residue mobility, and thermodynamic stability) indicates that this missense variant is not expected to disrupt CEP290 protein function with a negative predictive value of 80%. In summary, the available evidence is currently insufficient to determine the role of this variant in disease. Therefore, it has been classified as a Variant of Uncertain Significance.

Genome-Nilou Lab
Classification: Uncertain significance for Bardet-Biedl syndrome 14. Last evaluated: 2021-07-14. Review status: criteria provided, single submitter. Criteria: ACMG Guidelines, 2015. Collection method: clinical testing. Allele origin: germline. Affected: no.

Genome-Nilou Lab
Classification: Uncertain significance for Joubert syndrome 5. Last evaluated: 2021-07-14. Review status: criteria provided, single submitter. Criteria: ACMG Guidelines, 2015. Collection method: clinical testing. Allele origin: germline. Affected: no.

Genome-Nilou Lab
Classification: Uncertain significance for Meckel syndrome, type 4. Last evaluated: 2021-07-14. Review status: criteria provided, single submitter. Criteria: ACMG Guidelines, 2015. Collection method: clinical testing. Allele origin: germline. Affected: no.

Genome-Nilou Lab
Classification: Uncertain significance for Senior-Loken syndrome 6. Last evaluated: 2021-07-14. Review status: criteria provided, single submitter. Criteria: ACMG Guidelines, 2015. Collection method: clinical testing. Allele origin: germline. Affected: no.

Illumina Laboratory Services, Illumina
Classification: Uncertain significance for Bardet-Biedl syndrome 14. Last evaluated: 2018-01-13. Review status: criteria provided, single submitter. Criteria: ICSL Variant Classification Criteria 13 December 2019. Collection method: clinical testing. Allele origin: germline.

Illumina Laboratory Services, Illumina
Classification: Uncertain significance for Joubert syndrome 5. Last evaluated: 2018-01-13. Review status: criteria provided, single submitter. Criteria: ICSL Variant Classification Criteria 13 December 2019. Collection method: clinical testing. Allele origin: germline.

Illumina Laboratory Services, Illumina
Classification: Uncertain significance for Meckel syndrome, type 4. Last evaluated: 2018-01-13. Review status: criteria provided, single submitter. Criteria: ICSL Variant Classification Criteria 13 December 2019. Collection method: clinical testing. Allele origin: germline.

Illumina Laboratory Services, Illumina
Classification: Uncertain significance for Senior-Loken syndrome 6. Last evaluated: 2018-01-13. Review status: criteria provided, single submitter. Criteria: ICSL Variant Classification Criteria 13 December 2019. Collection method: clinical testing. Allele origin: germline.

Illumina Laboratory Services, Illumina
Classification: Uncertain significance for Leber congenital amaurosis 10. Last evaluated: 2018-01-13. Review status: criteria provided, single submitter. Criteria: ICSL Variant Classification Criteria 13 December 2019. Collection method: clinical testing. Allele origin: germline.

Natera, Inc.
Classification: Uncertain significance for Leber congenital amaurosis. Last evaluated: 2020-09-16. Review status: no assertion criteria provided. Collection method: clinical testing. Allele origin: germline. Not counted in ClinVar's aggregate classification.

Clinical Genetics, Academic Medical Center
Classification: Likely benign. Review status: no assertion criteria provided. Collection method: clinical testing. Allele origin: germline. Affected: yes. Study: VKGL Data-share Consensus. Not counted in ClinVar's aggregate classification.

Genome Diagnostics Laboratory, University Medical Center Utrecht
Classification: Benign. Review status: no assertion criteria provided. Collection method: clinical testing. Allele origin: germline. Affected: yes. Study: VKGL Data-share Consensus. Not counted in ClinVar's aggregate classification.

NM_025114.4(CEP290):c.4555A>T (p.Ile1519Leu)

Gene: CEP290 (centrosomal protein 290; minus strand). Cytogenetic location: 12q21.32.
Variant type: single nucleotide variant.
Coding change: c.4555A>T on transcript NM_025114.4 (MANE Select); coding-DNA position 4555, A replaced by T.
Protein change: p.Ile1519Leu; replaces isoleucine 1519 with leucine.
Molecular consequence: missense variant.
Genome position (GRCh38, 1-based): chr12:88,084,735, T>A on the plus strand (A>T on the coding strand, the complement: CEP290 is on the minus strand). VCF-style: chr12-88084735-T-A. GRCh37 (hg19) VCF-style: chr12-88478512-T-A.
Other names: short protein forms I1519L.
Identifiers: ClinVar variation 241584 (VCV000241584.27), dbSNP rs200817579, ClinGen allele CA6711914.